The following is an entry in ClinVar:

NM_000540.3(RYR1):c.8915A>G (p.Glu2972Gly)

Gene: RYR1 (ryanodine receptor 1; plus strand). Cytogenetic location: 19q13.2.
Variant type: single nucleotide variant.
Coding change: c.8915A>G on transcript NM_000540.3 (MANE Select); coding-DNA position 8915, A replaced by G.
Protein change: p.Glu2972Gly; replaces glutamic acid 2972 with glycine.
Molecular consequence: missense variant.
Genome position (GRCh38, 1-based): chr19:38,507,810, A>G. VCF-style: chr19-38507810-A-G. GRCh37 (hg19) VCF-style: chr19-38998450-A-G.
Other names: c.8915A>G, p.Glu2972Gly (NM_001042723.2); short protein forms E2972G.
Identifiers: ClinVar variation 4706627 (VCV004706627.1).

ClinVar aggregate classification (germline): Uncertain significance (1 of 4 stars; one submission).

Conditions:
RYR1-related disorder. Also called: RYR1-related condition; RYR1-related disorders. Identifiers: MedGen CN239331.

Submission:

Labcorp Genetics (formerly Invitae), Labcorp
Classification: Uncertain significance for RYR1-related disorder. Last evaluated: 2025-07-13. Review status: criteria provided, single submitter. Criteria: Invitae Variant Classification Sherloc (09022015). Collection method: clinical testing. Allele origin: germline.
Comment: This sequence change replaces glutamic acid, which is acidic and polar, with glycine, which is neutral and non-polar, at codon 2972 of the RYR1 protein (p.Glu2972Gly). This variant is not present in population databases (gnomAD no frequency). This variant has not been reported in the literature in individuals affected with RYR1-related conditions. Invitae Evidence Modeling of protein sequence and biophysical properties (such as structural, functional, and spatial information, amino acid conservation, physicochemical variation, residue mobility, and thermodynamic stability) indicates that this missense variant is not expected to disrupt RYR1 protein function with a negative predictive value of 80%. In summary, the available evidence is currently insufficient to determine the role of this variant in disease. Therefore, it has been classified as a Variant of Uncertain Significance.